The following is an entry in ClinVar:

NM_016169.4(SUFU):c.782C>G (p.Thr261Arg)

Gene: SUFU (SUFU negative regulator of hedgehog signaling; plus strand). Cytogenetic location: 10q24.32.
Variant type: single nucleotide variant.
Coding change: c.782C>G on transcript NM_016169.4 (MANE Select); coding-DNA position 782, C replaced by G.
Protein change: p.Thr261Arg; replaces threonine 261 with arginine.
Molecular consequence: missense variant.
Genome position (GRCh38, 1-based): chr10:102,597,165, C>G. VCF-style: chr10-102597165-C-G. GRCh37 (hg19) VCF-style: chr10-104356922-C-G.
Other names: c.782C>G, p.Thr261Arg (NM_001178133.2); short protein forms T261R.
Identifiers: ClinVar variation 5030448 (VCV005030448.1).

ClinVar aggregate classification (germline): Uncertain significance (1 of 4 stars; one submission).

Conditions:
Hereditary cancer-predisposing syndrome. Also called: Neoplastic Syndromes, Hereditary; Tumor predisposition; Hereditary neoplastic syndrome; Hereditary Cancer Syndrome. Identifiers: Orphanet 140162, MedGen C0027672, MeSH D009386, MONDO:0015356.

Submission:

Ambry Genetics
Classification: Uncertain significance for Hereditary cancer-predisposing syndrome. Last evaluated: 2026-08-20. Review status: criteria provided, single submitter. Criteria: Ambry Variant Classification Scheme 2023. Collection method: clinical testing. Allele origin: germline.
Comment: The p.T261R variant (also known as c.782C>G), located in coding exon 7 of the SUFU gene, results from a C to G substitution at nucleotide position 782. The threonine at codon 261 is replaced by arginine, an amino acid with similar properties. This amino acid position is conserved. In addition, this alteration is predicted to be tolerated by in silico analysis. Based on the available evidence, the clinical significance of this variant remains unclear.